The following is an entry in ClinVar:

NM_006648.4(WNK2):c.1714C>A (p.Gln572Lys)

Gene: WNK2 (WNK lysine deficient protein kinase 2; plus strand). Cytogenetic location: 9q22.31.
Variant type: single nucleotide variant.
Coding change: c.1714C>A on transcript NM_006648.4 (MANE Select); coding-DNA position 1714, C replaced by A.
Protein change: p.Gln572Lys; replaces glutamine 572 with lysine.
Molecular consequence: missense variant.
Genome position (GRCh38, 1-based): chr9:93,247,714, C>A. VCF-style: chr9-93247714-C-A. GRCh37 (hg19) VCF-style: chr9-96009996-C-A.
Other names: c.1714C>A, p.Gln572Lys (NM_001282394.3); short protein forms Q572K.
Identifiers: ClinVar variation 3981789 (VCV003981789.1).

ClinVar aggregate classification (germline): Uncertain significance (1 of 4 stars; one submission).

Submission:

Ambry Genetics
Classification: Uncertain significance. Last evaluated: 2025-04-01. Review status: criteria provided, single submitter. Criteria: Ambry Variant Classification Scheme 2023. Collection method: clinical testing. Allele origin: germline.
Comment: The p.Q572K variant (also known as c.1714C>A), located in coding exon 7 of the WNK2 gene, results from a C to A substitution at nucleotide position 1714. The glutamine at codon 572 is replaced by lysine, an amino acid with similar properties. This amino acid position is conserved. In addition, this alteration is predicted to be tolerated by in silico analysis. Based on the available evidence, the clinical significance of this variant remains unclear.